The following is an entry in ClinVar:

ClinVar aggregate classification (germline): Uncertain significance (1 of 4 stars; one submission).

Allele frequency attached by ClinVar (database versions not stated): gnomAD exomes below 0.00001; TOPMed below 0.00001; ExAC 0.00001; gnomAD 0.00001.
gnomAD v4.1: 3 of 1,613,938 alleles (0.00019%); highest among the groups gnomAD compares: Non-Finnish European, 0.00025%; no homozygotes.

Submission:

CeGaT Center for Human Genetics Tuebingen
Classification: Uncertain significance. Last evaluated: 2023-11-01. Review status: criteria provided, single submitter. Criteria: CeGaT Center For Human Genetics Tuebingen Variant Classification Criteria Version 2. Collection method: clinical testing. Allele origin: germline. Affected: yes. Observed: 1 variant allele.
Comment: F5: PM2, BP4

NM_000130.5(F5):c.2539A>G (p.Ile847Val)

Gene: F5 (coagulation factor V; minus strand). Cytogenetic location: 1q24.2.
Variant type: single nucleotide variant.
Coding change: c.2539A>G on transcript NM_000130.5 (MANE Select); coding-DNA position 2539, A replaced by G.
Protein change: p.Ile847Val; replaces isoleucine 847 with valine.
Molecular consequence: missense variant.
Genome position (GRCh38, 1-based): chr1:169,542,551, T>C on the plus strand (A>G on the coding strand, the complement: F5 is on the minus strand). VCF-style: chr1-169542551-T-C. GRCh37 (hg19) VCF-style: chr1-169511789-T-C.
Other names: short protein forms I847V.
Identifiers: ClinVar variation 2672369 (VCV002672369.23), dbSNP rs768546136, ClinGen allele CA1234072.
Genomic context (GRCh38, chr1:169,542,551, plus strand): 5'-CCTTATGCTTAGCATGTTCTTGACTTTTGAATTCTCCAGCACCAAGTGAAAGTAGACGTA[T>C]CCCTGTGACATCTGGCTGTAGAGGATCCTCTATAGGGTCTTCAGAATATGGGCTGGAATG-3'
Protein context (NP_000121.2, residues 837-857): EDPLQPDVTG[Ile847Val]RLLSLGAGEF